The following is an entry in ClinVar:

NM_000264.5(PTCH1):c.1377del (p.Trp460fs)

Gene: PTCH1 (patched 1; minus strand). Cytogenetic location: 9q22.32.
Variant type: Deletion.
Coding change: c.1377del on transcript NM_000264.5 (MANE Select); coding-DNA position 1377, one base deleted (C; older notation c.1377delC).
Protein change: p.Trp460fs; shifts the reading frame from tryptophan 460.
Molecular consequence: frameshift variant. On other transcripts: non-coding transcript variant (1), intron variant (1).
Genome position (GRCh38, 1-based): chr9:95,477,673, G deleted on the plus strand (C on the coding strand, the reverse complement: PTCH1 is on the minus strand). VCF-style (leftmost placement, unchanged base first): chr9-95477672-AG-A. GRCh37 (hg19) VCF-style: chr9-98239954-AG-A.
Other names: c.1179del, p.Trp394fs (NM_001083602.3); c.1374del, p.Trp459fs (NM_001083603.3); c.924del, p.Trp309fs (NM_001083604.3, NM_001083605.3, NM_001083606.3 and 1 more transcripts); c.1347+382del (NM_001354918.2); short protein forms W309fs, W394fs, W459fs, W460fs.
Identifiers: ClinVar variation 5041772 (VCV005041772.1).

ClinVar aggregate classification (germline): Pathogenic (1 of 4 stars; one submission).

Submission:

CeGaT Center for Human Genetics Tuebingen
Classification: Pathogenic. Last evaluated: 2026-09-01. Review status: criteria provided, single submitter. Criteria: CeGaT Center For Human Genetics Tuebingen Variant Classification Criteria Version 2. Collection method: clinical testing. Allele origin: germline. Affected: yes. Observed: 1 variant allele.
Comment: PTCH1: PVS1, PM2